The following is an entry in ClinVar:

NM_001101.5(ACTB):c.367A>G (p.Met123Val)

Gene: ACTB (actin beta; minus strand). Cytogenetic location: 7p22.1.
Variant type: single nucleotide variant.
Coding change: c.367A>G on transcript NM_001101.5 (MANE Select); coding-DNA position 367, A replaced by G.
Protein change: p.Met123Val; replaces methionine 123 with valine.
Molecular consequence: missense variant.
Genome position (GRCh38, 1-based): chr7:5,528,716, T>C on the plus strand (A>G on the coding strand, the complement: ACTB is on the minus strand). VCF-style: chr7-5528716-T-C. GRCh37 (hg19) VCF-style: chr7-5568347-T-C.
Other names: short protein forms M123V.
Identifiers: ClinVar variation 3252291 (VCV003252291.1), dbSNP rs2533848058.

ClinVar aggregate classification (germline): Pathogenic (1 of 4 stars; one submission).

Submission:

GeneDx
Classification: Pathogenic. Last evaluated: 2024-03-25. Review status: criteria provided, single submitter. Criteria: GeneDx Variant Classification Process June 2021. Collection method: clinical testing. Allele origin: germline. Affected: yes.
Comment: Not observed at significant frequency in large population cohorts (gnomAD); Missense variants in this gene are a common cause of disease and they are underrepresented in the general population; In silico analysis supports that this missense variant has a deleterious effect on protein structure/function; Has not been previously published as pathogenic or benign to our knowledge